The following is an entry in ClinVar:

NM_001134363.3(RBM20):c.346G>A (p.Ala116Thr)

Gene: RBM20 (RNA binding motif protein 20; plus strand). Cytogenetic location: 10q25.2.
Variant type: single nucleotide variant.
Coding change: c.346G>A on transcript NM_001134363.3 (MANE Select); coding-DNA position 346, G replaced by A.
Protein change: p.Ala116Thr; replaces alanine 116 with threonine.
Molecular consequence: missense variant.
Genome position (GRCh38, 1-based): chr10:110,780,955, G>A. VCF-style: chr10-110780955-G-A. GRCh37 (hg19) VCF-style: chr10-112540713-G-A.
Other names: short protein forms A116T.
Identifiers: ClinVar variation 4700956 (VCV004700956.1).

ClinVar aggregate classification (germline): Uncertain significance (1 of 4 stars; one submission).

Conditions:
Dilated cardiomyopathy 1DD (CMD1DD). Identifiers: Orphanet 154, MedGen C2750995, MONDO:0013168, OMIM 613172.

Submission:

Labcorp Genetics (formerly Invitae), Labcorp
Classification: Uncertain significance for Dilated cardiomyopathy 1DD. Last evaluated: 2025-05-04. Review status: criteria provided, single submitter. Criteria: Invitae Variant Classification Sherloc (09022015). Collection method: clinical testing. Allele origin: germline.
Comment: This sequence change replaces alanine, which is neutral and non-polar, with threonine, which is neutral and polar, at codon 116 of the RBM20 protein (p.Ala116Thr). This variant is not present in population databases (gnomAD no frequency). This variant has not been reported in the literature in individuals affected with RBM20-related conditions. Invitae Evidence Modeling of protein sequence and biophysical properties (such as structural, functional, and spatial information, amino acid conservation, physicochemical variation, residue mobility, and thermodynamic stability) indicates that this missense variant is not expected to disrupt RBM20 protein function with a negative predictive value of 95%. In summary, the available evidence is currently insufficient to determine the role of this variant in disease. Therefore, it has been classified as a Variant of Uncertain Significance.